The following is an entry in ClinVar:

NM_000492.4(CFTR):c.4256A>T (p.Asn1419Ile)

Genes: CFTR (CF transmembrane conductance regulator; plus strand), LOC111674477 (CFTR intron 23 enhancer; plus strand). Cytogenetic location: 7q31.2.
Variant type: single nucleotide variant.
Coding change: c.4256A>T on transcript NM_000492.4 (MANE Select); coding-DNA position 4256, A replaced by T.
Protein change: p.Asn1419Ile; replaces asparagine 1419 with isoleucine.
Molecular consequence: missense variant.
Genome position (GRCh38, 1-based): chr7:117,666,921, A>T. VCF-style: chr7-117666921-A-T. GRCh37 (hg19) VCF-style: chr7-117306975-A-T.
Other names: short protein forms N1419I.
Identifiers: ClinVar variation 526020 (VCV000526020.10), dbSNP rs1461912555, ClinGen allele CA368984419.

ClinVar aggregate classification (germline): Uncertain significance. Review status: criteria provided, single submitter (1 of 4 stars). 2 submissions from 2 submitters: Uncertain significance (1). 1 of the submissions does not count toward it. Last evaluated 2020-08-21.

Conditions:
Cystic fibrosis (CF). Also called: MUCOVISCIDOSIS. Identifiers: Orphanet 586, MedGen C0010674, MONDO:0009061, OMIM 219700. Disease mechanism: loss of function.
CFTR-related disorder (CFTR-RD). Also called: CFTR-related disorders; CFTR-related condition. Identifiers: MedGen C5924204, MONDO:7770004.

gnomAD v4.1: 1 of 1,613,902 alleles (0.000062%); highest among the groups gnomAD compares: Non-Finnish European, 0.000085%; no homozygotes.

Submissions (2):

Labcorp Genetics (formerly Invitae), Labcorp
Classification: Uncertain significance for Cystic fibrosis. Last evaluated: 2020-08-21. Review status: criteria provided, single submitter. Criteria: Invitae Variant Classification Sherloc (09022015). Collection method: clinical testing. Allele origin: germline.
Comment: Algorithms developed to predict the effect of missense changes on protein structure and function do not agree on the potential impact of this missense change (SIFT: "Deleterious"; PolyPhen-2: "Benign"; Align-GVGD: "Class C15"). This variant has not been reported in the literature in individuals with CFTR-related disease. This variant is not present in population databases (ExAC no frequency). This sequence change replaces asparagine with isoleucine at codon 1419 of the CFTR protein (p.Asn1419Ile). The asparagine residue is weakly conserved and there is a large physicochemical difference between asparagine and isoleucine. In summary, the available evidence is currently insufficient to determine the role of this variant in disease. Therefore, it has been classified as a Variant of Uncertain Significance.

Natera, Inc.
Classification: Uncertain significance for CFTR-related disorders. Last evaluated: 2019-01-15. Review status: no assertion criteria provided. Collection method: clinical testing. Allele origin: germline. Not counted in ClinVar's aggregate classification.